The following is an entry in ClinVar:

NM_033305.3(VPS13A):c.2960T>G (p.Ile987Ser)

Gene: VPS13A (vacuolar protein sorting 13 homolog A; plus strand). Cytogenetic location: 9q21.2.
Variant type: single nucleotide variant.
Coding change: c.2960T>G on transcript NM_033305.3 (MANE Select); coding-DNA position 2960, T replaced by G.
Protein change: p.Ile987Ser; replaces isoleucine 987 with serine.
Molecular consequence: missense variant.
Genome position (GRCh38, 1-based): chr9:77,281,922, T>G. VCF-style: chr9-77281922-T-G. GRCh37 (hg19) VCF-style: chr9-79896838-T-G.
Other names: c.2960T>G, p.Ile987Ser (NM_001018037.2, NM_001018038.3, NM_015186.4); short protein forms I987S.
Identifiers: ClinVar variation 4199027 (VCV004199027.3).

ClinVar aggregate classification (germline): Uncertain significance. Review status: criteria provided, multiple submitters, no conflicts (2 of 4 stars). 2 submissions from 2 submitters: Uncertain significance (2). Last evaluated 2025-08-01.

Conditions:
Inborn genetic diseases. Identifiers: MedGen C0950123, MeSH D030342.

gnomAD v4.1: 2 of 1,566,180 alleles (0.00013%); highest among the groups gnomAD compares: Admixed American, 0.0017%; no homozygotes.

Submissions (2):

Ambry Genetics
Classification: Uncertain significance for Inborn genetic diseases. Last evaluated: 2025-08-01. Review status: criteria provided, single submitter. Criteria: Ambry Variant Classification Scheme 2023. Collection method: clinical testing. Allele origin: germline.

Dasa
Classification: Uncertain significance. Last evaluated: 2025-07-07. Review status: criteria provided, single submitter. Criteria: DASA Assertion Criteria. Collection method: clinical testing. Allele origin: germline.
Comment: NM_033305.3(VPS13A):c.2960T>G (p.Ile987Ser) is a missense variant that results in the substitution of isoleucine with serine. This variant is rare in population databases. Computational prediction algorithms are consistent with a benign effect. The currently available literature and clinical evidence are not sufficient to establish a definitive association between this variant and the reported condition. Therefore, this variant is classified as a variant of uncertain significance.